The following is an entry in ClinVar:

ClinVar aggregate classification (germline): Uncertain significance. Review status: criteria provided, multiple submitters, no conflicts (2 of 4 stars). 2 submissions from 2 submitters: Uncertain significance (2). Last evaluated 2026-03-25.

Conditions:
Charcot-Marie-Tooth disease, type I (CMT1). Also called: Charcot-Marie-Tooth, Type 1; Charcot-Marie-Tooth disease type 1. Identifiers: Orphanet 65753, MedGen C0751036, MONDO:0019011.

Allele frequency attached by ClinVar (database versions not stated): gnomAD exomes below 0.00001; TOPMed 0.00001; gnomAD 0.00002.
gnomAD v4.1: 7 of 1,614,096 alleles (0.00043%); highest among the groups gnomAD compares: Non-Finnish European, 0.00059%; no homozygotes.

Submissions (2):

Women's Health and Genetics/Laboratory Corporation of America, LabCorp
Classification: Uncertain significance. Last evaluated: 2026-03-25. Review status: criteria provided, single submitter. Criteria: LabCorp Variant Classification Summary - May 2015. Collection method: clinical testing. Allele origin: germline.
Comment: Variant summary: MPZ c.479C>G (p.Ala160Gly) results in a non-conservative amino acid change in the encoded protein sequence. Algorithms developed to predict the effect of missense changes on protein structure and function are either unavailable or do not agree on the potential impact of this missense change. The variant was absent in 250290 control chromosomes. The available data on variant occurrences in the general population are insufficient to allow any conclusion about variant significance. To our knowledge, no occurrence of c.479C>G in individuals affected with MPZ-related conditions and no experimental evidence demonstrating its impact on protein function have been reported. ClinVar contains an entry for this variant (Variation ID: 3022918). Based on the evidence outlined above, the variant was classified as uncertain significance.

Labcorp Genetics (formerly Invitae), Labcorp
Classification: Uncertain significance for Charcot-Marie-Tooth disease, type I. Last evaluated: 2022-12-17. Review status: criteria provided, single submitter. Criteria: Invitae Variant Classification Sherloc (09022015). Collection method: clinical testing. Allele origin: germline.
Comment: This variant has not been reported in the literature in individuals affected with MPZ-related conditions. In summary, the available evidence is currently insufficient to determine the role of this variant in disease. Therefore, it has been classified as a Variant of Uncertain Significance. Advanced modeling of protein sequence and biophysical properties (such as structural, functional, and spatial information, amino acid conservation, physicochemical variation, residue mobility, and thermodynamic stability) performed at Invitae indicates that this missense variant is not expected to disrupt MPZ protein function. This variant is present in population databases (no rsID available, gnomAD 0.007%). This sequence change replaces alanine, which is neutral and non-polar, with glycine, which is neutral and non-polar, at codon 160 of the MPZ protein (p.Ala160Gly).

NM_000530.8(MPZ):c.479C>G (p.Ala160Gly)

Gene: MPZ (myelin protein zero; minus strand). Cytogenetic location: 1q23.3.
Variant type: single nucleotide variant.
Coding change: c.479C>G on transcript NM_000530.8 (MANE Select); coding-DNA position 479, C replaced by G.
Protein change: p.Ala160Gly; replaces alanine 160 with glycine.
Molecular consequence: missense variant.
Genome position (GRCh38, 1-based): chr1:161,306,434, G>C on the plus strand (C>G on the coding strand, the complement: MPZ is on the minus strand). VCF-style: chr1-161306434-G-C. GRCh37 (hg19) VCF-style: chr1-161276224-G-C.
Other names: c.479C>G, p.Ala160Gly (NM_001315491.2); short protein forms A160G.
Identifiers: ClinVar variation 3022918 (VCV003022918.4), dbSNP rs1261999242, ClinGen allele CA343346308.